The following is an entry in ClinVar:

NM_015338.6(ASXL1):c.2434G>A (p.Gly812Ser)

Gene: ASXL1 (ASXL transcriptional regulator 1; plus strand). Cytogenetic location: 20q11.21.
Variant type: single nucleotide variant.
Coding change: c.2434G>A on transcript NM_015338.6 (MANE Select); coding-DNA position 2434, G replaced by A.
Protein change: p.Gly812Ser; replaces glycine 812 with serine.
Molecular consequence: missense variant.
Genome position (GRCh38, 1-based): chr20:32,435,146, G>A. VCF-style: chr20-32435146-G-A. GRCh37 (hg19) VCF-style: chr20-31022949-G-A.
Other names: c.2251G>A, p.Gly751Ser (NM_001363734.1); short protein forms G812S, G751S.
Identifiers: ClinVar variation 3792883 (VCV003792883.1).

ClinVar aggregate classification (germline): Uncertain significance (1 of 4 stars; one submission).

Conditions:
Inborn genetic diseases. Identifiers: MedGen C0950123, MeSH D030342.

gnomAD v4.1: 1 of 1,613,926 alleles (0.000062%); no homozygotes.

Submission:

Ambry Genetics
Classification: Uncertain significance for Inborn genetic diseases. Last evaluated: 2025-01-29. Review status: criteria provided, single submitter. Criteria: Ambry Variant Classification Scheme 2023. Collection method: clinical testing. Allele origin: germline.
Comment: The p.G812S variant (also known as c.2434G>A), located in coding exon 13 of the ASXL1 gene, results from a G to A substitution at nucleotide position 2434. The glycine at codon 812 is replaced by serine, an amino acid with similar properties. This amino acid position is conserved. In addition, this alteration is predicted to be tolerated by in silico analysis. Based on the available evidence, the clinical significance of this variant remains unclear.